The following is an entry in ClinVar:

ClinVar aggregate classification (germline): Uncertain significance (1 of 4 stars; one submission).

Submission:

GeneDx
Classification: Uncertain significance. Last evaluated: 2022-01-04. Review status: criteria provided, single submitter. Criteria: GeneDx Variant Classification Process June 2021. Collection method: clinical testing. Allele origin: germline. Affected: yes.
Comment: Not observed at significant frequency in large population cohorts (gnomAD); Missense variants in this gene are often considered pathogenic (HGMD); In silico analysis supports that this missense variant has a deleterious effect on protein structure/function; Has not been previously published as pathogenic or benign to our knowledge

NM_001614.5(ACTG1):c.136G>T (p.Gly46Cys)

Gene: ACTG1 (actin gamma 1; minus strand). Cytogenetic location: 17q25.3.
Variant type: single nucleotide variant.
Coding change: c.136G>T on transcript NM_001614.5 (MANE Select); coding-DNA position 136, G replaced by T.
Protein change: p.Gly46Cys; replaces glycine 46 with cysteine.
Molecular consequence: missense variant. On other transcripts: non-coding transcript variant (1).
Genome position (GRCh38, 1-based): chr17:81,512,130, C>A on the plus strand (G>T on the coding strand, the complement: ACTG1 is on the minus strand). VCF-style: chr17-81512130-C-A. GRCh37 (hg19) VCF-style: chr17-79479156-C-A.
Other names: c.136G>T, p.Gly46Cys (NM_001199954.3); short protein forms G46C.
Identifiers: ClinVar variation 1695886 (VCV001695886.2), dbSNP rs2143784290, ClinGen allele CA401463327.